The following is an entry in ClinVar:

NM_021930.6(RINT1):c.1636A>G (p.Ile546Val)

Gene: RINT1 (RAD50 interactor 1; plus strand). Cytogenetic location: 7q22.3.
Variant type: single nucleotide variant.
Coding change: c.1636A>G on transcript NM_021930.6 (MANE Select); coding-DNA position 1636, A replaced by G.
Protein change: p.Ile546Val; replaces isoleucine 546 with valine.
Molecular consequence: missense variant.
Genome position (GRCh38, 1-based): chr7:105,555,192, A>G. VCF-style: chr7-105555192-A-G. GRCh37 (hg19) VCF-style: chr7-105195639-A-G.
Other names: c.1402A>G, p.Ile468Val (NM_001346599.2); c.613A>G, p.Ile205Val (NM_001346600.2, NM_001346603.2); c.712A>G, p.Ile238Val (NM_001346601.2); short protein forms I546V, I238V, I205V, I468V.
Identifiers: ClinVar variation 2496977 (VCV002496977.2), dbSNP rs2485150239, ClinGen allele CA368811916.
Genomic context (GRCh38, chr7:105,555,192, plus strand): 5'-GAAGAGACTAGAGCTTCCCTTGGCTTTCGATACTGTGCAATTCTTAATGCTGTGAACTAC[A>G]TCTCAACAGTACTAGCAGATTGGGCTGACAATGTTGTGAGTTAATATGCTTTTATATTAA-3'
Protein context (NP_068749.3, residues 536-556): YCAILNAVNY[Ile546Val]STVLADWADN

ClinVar aggregate classification (germline): Uncertain significance (1 of 4 stars; one submission).

Submission:

Ambry Genetics
Classification: Uncertain significance. Last evaluated: 2023-03-03. Review status: criteria provided, single submitter. Criteria: Ambry Variant Classification Scheme 2023. Collection method: clinical testing. Allele origin: germline.
Comment: The p.I546V variant (also known as c.1636A>G), located in coding exon 11 of the RINT1 gene, results from an A to G substitution at nucleotide position 1636. The isoleucine at codon 546 is replaced by valine, an amino acid with highly similar properties. This amino acid position is conserved. In addition, this alteration is predicted to be tolerated by in silico analysis. Since supporting evidence is limited at this time, the clinical significance of this alteration remains unclear.